The following is an entry in ClinVar:

NM_000127.3(EXT1):c.1271dup (p.Leu424fs)

Gene: EXT1 (exostosin glycosyltransferase 1; minus strand). Cytogenetic location: 8q24.11.
Variant type: Duplication.
Coding change: c.1271dup on transcript NM_000127.3 (MANE Select); coding-DNA position 1271, one base duplicated (T; older notation c.1271dupT).
Protein change: p.Leu424fs; shifts the reading frame from leucine 424.
Molecular consequence: frameshift variant.
Genome position (GRCh38, 1-based): chr8:117,830,243, A duplicated on the plus strand (T on the coding strand, the reverse complement: EXT1 is on the minus strand); the first of 2 consecutive A bases (chr8:117,830,243-117,830,244); duplicating either gives the same sequence. VCF-style (leftmost placement, unchanged base first): chr8-117830242-T-TA. GRCh37 (hg19) VCF-style: chr8-118842481-T-TA.
Other names: short protein forms L424fs.
Identifiers: ClinVar variation 3652524 (VCV003652524.2).

ClinVar aggregate classification (germline): Pathogenic (1 of 4 stars; one submission).

Conditions:
Multiple congenital exostosis (EXT). Also called: MULTIPLE CARTILAGINOUS EXOSTOSES; Hereditary multiple osteochondromas; Hereditary multiple exostoses; Hereditary multiple exostosis; Multiple osteochondromas; Multiple exostoses. Identifiers: Orphanet 321, MedGen C0015306, MONDO:0005508, HP:0002762.

Submission:

Labcorp Genetics (formerly Invitae), Labcorp
Classification: Pathogenic for Multiple congenital exostosis. Last evaluated: 2024-05-07. Review status: criteria provided, single submitter. Criteria: Invitae Variant Classification Sherloc (09022015). Collection method: clinical testing. Allele origin: germline.
Comment: This sequence change creates a premature translational stop signal (p.Leu424Phefs*18) in the EXT1 gene. It is expected to result in an absent or disrupted protein product. Loss-of-function variants in EXT1 are known to be pathogenic (PMID: 10679937, 11391482, 19810120). This variant is not present in population databases (gnomAD no frequency). This variant has not been reported in the literature in individuals affected with EXT1-related conditions. For these reasons, this variant has been classified as Pathogenic.

Literature cited by the submitters: PubMed 10679937; PubMed 11391482; PubMed 19810120.